The following is an entry in ClinVar:

NM_003738.5(PTCH2):c.3216T>C (p.Gly1072=)

Gene: PTCH2 (patched 2; minus strand). Cytogenetic location: 1p34.1.
Variant type: single nucleotide variant.
Coding change: c.3216T>C on transcript NM_003738.5 (MANE Select); coding-DNA position 3216, T replaced by C.
Protein change: p.Gly1072=; no amino-acid change (glycine 1072 retained).
Molecular consequence: synonymous variant.
Genome position (GRCh38, 1-based): chr1:44,823,284, A>G on the plus strand (T>C on the coding strand, the complement: PTCH2 is on the minus strand). VCF-style: chr1-44823284-A-G. GRCh37 (hg19) VCF-style: chr1-45288956-A-G.
Other names: c.3216T>C, p.Gly1072= (NM_001166292.2).
Identifiers: ClinVar variation 415464 (VCV000415464.14), dbSNP rs11573596, ClinGen allele CA822766.

ClinVar aggregate classification (germline): Benign. Review status: criteria provided, single submitter (1 of 4 stars). 2 submissions from 2 submitters: Benign (1). 1 of the submissions does not count toward it. Last evaluated 2026-01-08.

Conditions:
Gorlin syndrome. Also called: Nevoid Basal Cell Carcinoma Syndrome; Basal cell nevus syndrome. Identifiers: Orphanet 377, MedGen C0004779, MONDO:0007187.
PTCH2-related disorder. Also called: PTCH2-related condition; PTCH2-related disease.

Allele frequency attached by ClinVar (database versions not stated): gnomAD exomes 0.00104; ExAC 0.00128; 1000 Genomes Project 30x 0.00265; 1000 Genomes Project 0.00280; gnomAD 0.00431 and 0.00468; ESP Exome Variant Server 0.00507; TOPMed 0.00521.

Submissions (2):

Labcorp Genetics (formerly Invitae), Labcorp
Classification: Benign for Gorlin syndrome. Last evaluated: 2026-01-08. Review status: criteria provided, single submitter. Criteria: Invitae Variant Classification Sherloc (09022015). Collection method: clinical testing. Allele origin: germline.

PreventionGenetics, part of Exact Sciences
Classification: Benign for PTCH2-related condition. Last evaluated: 2019-05-23. Review status: no assertion criteria provided. Collection method: clinical testing. Allele origin: germline. Not counted in ClinVar's aggregate classification.
Comment: This variant is classified as benign based on ACMG/AMP sequence variant interpretation guidelines (Richards et al. 2015 PMID: 25741868, with internal and published modifications).